The following is an entry in ClinVar:

NM_000238.4(KCNH2):c.1886A>G (p.Asn629Ser)

Gene: KCNH2 (potassium voltage-gated channel subfamily H member 2; minus strand). Cytogenetic location: 7q36.1.
Variant type: single nucleotide variant.
Coding change: c.1886A>G on transcript NM_000238.4 (MANE Select); coding-DNA position 1886, A replaced by G.
Protein change: p.Asn629Ser; replaces asparagine 629 with serine.
Molecular consequence: missense variant.
Genome position (GRCh38, 1-based): chr7:150,951,507, T>C on the plus strand (A>G on the coding strand, the complement: KCNH2 is on the minus strand). VCF-style: chr7-150951507-T-C. GRCh37 (hg19) VCF-style: chr7-150648595-T-C.
Other names: p.N629S:AAC>AGC; c.1886A>G (LRG_288t1); c.866A>G, p.Asn289Ser (NM_001204798.2, NM_172057.3); c.1598A>G, p.Asn533Ser (NM_001406753.1, NM_001406756.1); c.1709A>G, p.Asn570Ser (NM_001406755.1); c.1586A>G, p.Asn529Ser (NM_001406757.1); c.1886A>G, p.Asn629Ser (NM_172056.3); short protein forms N289S, N629S, N533S, N529S, N570S.
Identifiers: ClinVar variation 67315 (VCV000067315.14), dbSNP rs199472957, ClinGen allele CA005852.

ClinVar aggregate classification (germline): Pathogenic. Review status: criteria provided, multiple submitters, no conflicts (2 of 4 stars). 8 submissions from 8 submitters: Pathogenic (7). 1 of the submissions does not count toward it. Last evaluated 2024-09-05.

Conditions:
KCNH2-related disorder. Also called: KCNH2-related disorders; KCNH2-related condition.
Familial long QT syndrome (RWS). Also called: Congenital long QT syndrome; Romano-Ward syndrome; VENTRICULAR FIBRILLATION WITH PROLONGED QT INTERVAL. Identifiers: Orphanet 768, MedGen C1141890, MONDO:0019171.
Short QT syndrome type 1. Identifiers: Orphanet 51083, MedGen C1865020, MONDO:0012312, OMIM 609620.
Long QT syndrome 2 (LQT2). Identifiers: Orphanet 101016, Orphanet 768, MedGen C3150943, MONDO:0013367, OMIM 613688.
Long QT syndrome (LQTS). Identifiers: MedGen C0023976, MeSH D008133, MONDO:0002442. Disease mechanism: loss of function. Inheritance: Various modes of inheritance.

Submissions (8):

Labcorp Genetics (formerly Invitae), Labcorp
Classification: Pathogenic for Long QT syndrome. Last evaluated: 2024-09-05. Review status: criteria provided, single submitter. Criteria: Invitae Variant Classification Sherloc (09022015). Collection method: clinical testing. Allele origin: germline.
Comment: This sequence change replaces asparagine, which is neutral and polar, with serine, which is neutral and polar, at codon 629 of the KCNH2 protein (p.Asn629Ser). This variant is not present in population databases (gnomAD no frequency). This missense change has been observed in individuals with long QT syndrome (PMID: 9544837, 11854117, 18808722, 24606995, 26063740). It has also been observed to segregate with disease in related individuals. This variant is also known as A2069G (N629S). ClinVar contains an entry for this variant (Variation ID: 67315). An algorithm developed to predict the effect of missense changes on protein structure and function (PolyPhen-2) suggests that this variant is likely to be disruptive. Experimental studies have shown that this missense change affects KCNH2 function (PMID: 16432067, 23303164, 25417810). This variant disrupts the p.Asn629 amino acid residue in KCNH2. Other variant(s) that disrupt this residue have been determined to be pathogenic (PMID: 10973849, 16432067, 17905336, 19841300, 22573844, 25417810). This suggests that this residue is clinically significant, and that variants that disrupt this residue are likely to be disease-causing. For these reasons, this variant has been classified as Pathogenic.

Victorian Clinical Genetics Services, Murdoch Childrens Research Institute
Classification: Pathogenic for Long QT syndrome 2. Last evaluated: 2021-05-06. Review status: criteria provided, single submitter. Criteria: ACMG Guidelines, 2015. Collection method: clinical testing. Allele origin: germline. Inheritance: Autosomal dominant inheritance. Affected: yes.
Comment: Based on the classification scheme VCGS_Germline_v1.3.4, this variant is classified as Pathogenic. Following criteria are met: 0103 - Dominant negative and loss of function are known mechanisms of disease in this gene and are associated with Long QT syndrome 2 (LQTS; MIM#613688). Gain of function is also a known mechanism associated with Short QT syndrome 1 (MIM#609620) (OMIM, PMID: 10753933; PMID: 21777565). (I) 0107 - This gene is associated with autosomal dominant disease. (I) 0112 - The condition associated with this gene has incomplete penetrance (PMID: 20301308). (I) 0200 - Variant is predicted to result in a missense amino acid change from asparagine to serine. (I) 0251 - This variant is heterozygous. (I) 0301 - Variant is absent from gnomAD (both v2 and v3). (SP) 0501 - Missense variant consistently predicted to be damaging by multiple in silico tools or highly conserved with a major amino acid change. (SP) 0601 - Variant is located in the well-established functional ion transport domain, within the pore (Uniprot, PMID: 16432067). (SP) 0703 - Other missense variants comparable to the one identified in this case have moderate previous evidence for pathogenicity. Both p.(Asn629Thr) and p.(Asn629Asp) have been reported pathogenic for LQTS. (SP) 0801 - This variant has strong previous evidence of pathogenicity in unrelated individuals from various ethnicities with LQTS (ClinVar, PMID: 24606995, 19716085, 26063740), and has also been reported in and individual who suffered a sudden cardiac death who had a variant in the DSG2 gene that was regarded likely benign (PMID: 29016939). (SP) 1002 - This variant has moderate functional evidence supporting abnormal protein function. In vitro studies with transfected HEK293 cells showed that the mutant impaired protein trafficking (PMID: 16432067). (SP) 1208 - Inheritance information for this variant is not currently available in this individual. (I) Legend: (SP) - Supporting pathogenic, (I) - Information, (SB) - Supporting benign

Blueprint Genetics
Classification: Pathogenic for KCNH2-related disorders. Last evaluated: 2019-05-13. Review status: criteria provided, single submitter. Criteria: ACMG Guidelines, 2015. Collection method: clinical testing. Allele origin: germline. Affected: yes. Observed: 1 variant allele.

Fulgent Genetics
Classification: Pathogenic for Short QT syndrome type 1; Long QT syndrome 2. Last evaluated: 2018-10-31. Review status: criteria provided, single submitter. Criteria: ACMG Guidelines, 2015. Collection method: clinical testing. Allele origin: unknown.

MVZ Martinsried, Medicover Genetics
Classification: Pathogenic for Long QT syndrome 2. Last evaluated: 2018-03-11. Review status: criteria provided, single submitter. Criteria: ACMG Guidelines, 2015. Collection method: clinical testing. Allele origin: unknown. Affected: yes.

Women's Health and Genetics/Laboratory Corporation of America, LabCorp
Classification: Pathogenic for Long QT syndrome. Last evaluated: 2018-01-15. Review status: criteria provided, single submitter. Criteria: LabCorp Variant Classification Summary - May 2015. Collection method: clinical testing. Allele origin: germline.
Comment: Variant summary: The KCNH2 c.1886A>G (p.Asn629Ser) variant involves the alteration of a conserved nucleotide located in the Ion transport domain (InterPro). 4/5 in silico tools predict a damaging outcome for this variant. This variant is absent in 277188 control chromosomes. Multiple publications cite the variant in affected individuals (Koponen_2015. Moss_2002, Larsen_2001, Satler_1998, Gao_2016). Functional studies report the variant to result in abnormal trafficking (Anderson_2006), and diminished repolarization (Jou_2013). Additionally, other variants at the same codon position (N629D, N629K, N629I, N629T) have also been reported in affected individuals, supporting a functional role of the position. One clinical diagnostic laboratories/reputable database has classified this variant as pathogenic. Taken together, this variant is classified as pathogenic.

GeneDx
Classification: Pathogenic. Last evaluated: 2017-05-09. Review status: criteria provided, single submitter. Criteria: GeneDx Variant Classification (06012015). Collection method: clinical testing. Allele origin: germline. Affected: yes.
Comment: The N629S pathogenic variant in the KCNH2 gene has previously been reported in association with LQTS (Satler et al., 1998; Larsen et al., 2001; Kapplinger et al., 2009; Zhang et al., 2008; Moss et al., 2002; Goldenberg et al., 2011; Christiansen et al., 2014; Riuro et al., 2014). In addition, different pathogenic missense variants affecting the same codon (N629T, N629I) have also been reported in association with LQTS (Chung et al., 2007; Kapplinger et al., 2009; Giudicessi et al., 2012). The N629S variant is not observed in large population cohorts (Lek et al., 2016; 1000 Genomes Consortium et al., 2015; Exome Variant Server). Although N629S is a conservative amino acid substitution, it occurs within the selectivity filter motif of the pore region at a position that is conserved across species. Functional studies report N629S affects protein-trafficking causing a dominant-negative effect on the normal protein complex, resulting in loss of normal ion channel function (Anderson et al., 2006). Finally, pathogenic/likely pathogenic variants in nearby residues (N633S, N633I, T634I, T634S) have been reported in HGMD in association with LQTS (Stenson et al., 2014), further supporting the functional importance of this region of the protein.

Cardiovascular Biomedical Research Unit, Royal Brompton & Harefield NHS Foundation Trust
No classification provided. Condition: Familial long QT syndrome. Review status: no classification provided. Collection method: literature only. Allele origin: germline. Not counted in ClinVar's aggregate classification.
Comment: This variant has been reported as associated with Long QT syndrome in the following publications (PMID:9544837;PMID:11468227;PMID:11668638;PMID:11854117;PMID:16432067;PMID:19716085). This is a literature report, and does not necessarily reflect the clinical interpretation of the Imperial College / Royal Brompton Cardiovascular Genetics laboratory.

Literature cited by the submitters: PubMed 9544837 (cited by 3 submitters); PubMed 11854117 (cited by 3 submitters); PubMed 18808722 (cited by Labcorp Genetics (formerly Invitae), Labcorp); PubMed 24606995 (cited by Labcorp Genetics (formerly Invitae), Labcorp and Victorian Clinical Genetics Services, Murdoch Childrens Research Institute); PubMed 26063740 (cited by 3 submitters); PubMed 16432067 (cited by 3 submitters); PubMed 23303164 (cited by Labcorp Genetics (formerly Invitae), Labcorp and Women's Health and Genetics/Laboratory Corporation of America, LabCorp); PubMed 25417810 (cited by Labcorp Genetics (formerly Invitae), Labcorp); PubMed 10973849 (cited by Labcorp Genetics (formerly Invitae), Labcorp); PubMed 17905336 (cited by Labcorp Genetics (formerly Invitae), Labcorp); PubMed 19841300 (cited by Labcorp Genetics (formerly Invitae), Labcorp); PubMed 22573844 (cited by Labcorp Genetics (formerly Invitae), Labcorp); PubMed 10753933 (cited by Victorian Clinical Genetics Services, Murdoch Childrens Research Institute); PubMed 19716085 (cited by Victorian Clinical Genetics Services, Murdoch Childrens Research Institute and Cardiovascular Biomedical Research Unit, Royal Brompton & Harefield NHS Foundation Trust); PubMed 20301308 (cited by Victorian Clinical Genetics Services, Murdoch Childrens Research Institute); PubMed 21777565 (cited by Victorian Clinical Genetics Services, Murdoch Childrens Research Institute); PubMed 29016939 (cited by Victorian Clinical Genetics Services, Murdoch Childrens Research Institute); PubMed 26496715 (cited by Women's Health and Genetics/Laboratory Corporation of America, LabCorp); PubMed 11468227 (cited by Women's Health and Genetics/Laboratory Corporation of America, LabCorp and Cardiovascular Biomedical Research Unit, Royal Brompton & Harefield NHS Foundation Trust); PubMed 11668638 (cited by Cardiovascular Biomedical Research Unit, Royal Brompton & Harefield NHS Foundation Trust); PubMed 22581653 (cited by Cardiovascular Biomedical Research Unit, Royal Brompton & Harefield NHS Foundation Trust).